The following is an entry in ClinVar:

ClinVar aggregate classification (germline): Conflicting classifications of pathogenicity. Review status: criteria provided, conflicting classifications (1 of 4 stars). 2 submissions from 2 submitters: Uncertain significance (1); Likely benign (1). Last evaluated 2024-10-24.

Conditions:
Neuropathy, hereditary sensory, type 2C. Also called: KIF1A-Related HSAN2 (HSAN2C); Hereditary sensory and autonomic neuropathy type IIC. Identifiers: Orphanet 970, MedGen C3280168, MONDO:0013634, OMIM 614213.
Intellectual disability, autosomal dominant 9 (NESCAVS). Also called: NESCAV SYNDROME; KIF1A-Related Neurodevelopmental Disorder. Identifiers: Orphanet 662367, MedGen C5393830, MONDO:0013656, OMIM 614255.
Hereditary spastic paraplegia 30. Identifiers: Orphanet 101010, MedGen C5235139, MONDO:0012476.
Inborn genetic diseases. Identifiers: MedGen C0950123, MeSH D030342.

Allele frequency attached by ClinVar (database versions not stated): gnomAD below 0.00001 and 0.00003; ExAC 0.00003; gnomAD exomes 0.00004.
gnomAD v4.1: 35 of 1,608,186 alleles (0.0022%); highest among the groups gnomAD compares: South Asian, 0.039%; no homozygotes.

Submissions (2):

Labcorp Genetics (formerly Invitae), Labcorp
Classification: Likely benign for Hereditary spastic paraplegia 30; Neuropathy, hereditary sensory, type 2C; Intellectual disability, autosomal dominant 9. Last evaluated: 2024-10-24. Review status: criteria provided, single submitter. Criteria: Invitae Variant Classification Sherloc (09022015). Collection method: clinical testing. Allele origin: germline.

Ambry Genetics
Classification: Uncertain significance for Inborn genetic diseases. Last evaluated: 2021-11-05. Review status: criteria provided, single submitter. Criteria: Ambry Variant Classification Scheme 2023. Collection method: clinical testing. Allele origin: germline.
Comment: The p.G1410V variant (also known as c.4229G>T), located in coding exon 39 of the KIF1A gene, results from a G to T substitution at nucleotide position 4229. The glycine at codon 1410 is replaced by valine, an amino acid with dissimilar properties. This amino acid position is well conserved in available vertebrate species. In addition, the in silico prediction for this alteration is inconclusive. Since supporting evidence is limited at this time, the clinical significance of this alteration remains unclear.

NM_001244008.2(KIF1A):c.4229G>T (p.Gly1410Val)

Gene: KIF1A (kinesin family member 1A; minus strand). Cytogenetic location: 2q37.3.
Variant type: single nucleotide variant.
Coding change: c.4229G>T on transcript NM_001244008.2 (MANE Select); coding-DNA position 4229, G replaced by T.
Protein change: p.Gly1410Val; replaces glycine 1410 with valine.
Molecular consequence: missense variant.
Genome position (GRCh38, 1-based): chr2:240,725,298, C>A on the plus strand (G>T on the coding strand, the complement: KIF1A is on the minus strand). VCF-style: chr2-240725298-C-A. GRCh37 (hg19) VCF-style: chr2-241664715-C-A.
Other names: c.3953G>T, p.Gly1318Val (NM_001320705.2, NM_001379649.1); c.3980G>T, p.Gly1327Val (NM_001330289.2); c.4028G>T, p.Gly1343Val (NM_001330290.2, NM_001379648.1); c.4304G>T, p.Gly1435Val (NM_001379631.1); c.4205G>T, p.Gly1402Val (NM_001379632.1); c.4202G>T, p.Gly1401Val (NM_001379633.1, NM_001379645.1); c.4055G>T, p.Gly1352Val (NM_001379634.1); c.4052G>T, p.Gly1351Val (NM_001379635.1, NM_001379646.1); and 7 more; short protein forms G1309V, G1410V, G1318V, G1343V, G1327V, G1308V, G1317V, G1326V.
Identifiers: ClinVar variation 580895 (VCV000580895.9), dbSNP rs754172009, ClinGen allele CA2207460.